The following is an entry in ClinVar:

ClinVar aggregate classification (germline): Uncertain significance (1 of 4 stars; one submission).

Allele frequency attached by ClinVar (database versions not stated): gnomAD exomes 0.00001.

Submission:

GeneDx
Classification: Uncertain significance. Last evaluated: 2023-03-31. Review status: criteria provided, single submitter. Criteria: GeneDx Variant Classification Process June 2021. Collection method: clinical testing. Allele origin: germline. Affected: yes.
Comment: Not observed at significant frequency in large population cohorts (gnomAD); In silico analysis supports that this missense variant has a deleterious effect on protein structure/function; Has not been previously published as pathogenic or benign to our knowledge

NM_005068.3(SIM1):c.491T>C (p.Met164Thr)

Gene: SIM1 (SIM bHLH transcription factor 1; minus strand). Cytogenetic location: 6q16.3.
Variant type: single nucleotide variant.
Coding change: c.491T>C on transcript NM_005068.3 (MANE Select); coding-DNA position 491, T replaced by C.
Protein change: p.Met164Thr; replaces methionine 164 with threonine.
Molecular consequence: missense variant.
Genome position (GRCh38, 1-based): chr6:100,449,415, A>G on the plus strand (T>C on the coding strand, the complement: SIM1 is on the minus strand). VCF-style: chr6-100449415-A-G. GRCh37 (hg19) VCF-style: chr6-100897291-A-G.
Other names: c.491T>C, p.Met164Thr (NM_001374769.1); short protein forms M164T.
Identifiers: ClinVar variation 2582189 (VCV002582189.1), dbSNP rs2482139640, ClinGen allele CA365126161.